The following is an entry in ClinVar:

GRCh37/hg19 Xp21.1(chrX:31795364-32015996)x0

Gene: DMD (dystrophin; minus strand). Cytogenetic location: Xp21.1.
Variant type: copy number loss.
Change: copy number 0 of chrX:31,795,364-32,015,996 (220.6 kb, GRCh37 coordinates, 1-based), cytogenetic band Xp21.1.
Identifiers: ClinVar variation 2684397 (VCV002684397.1).

ClinVar aggregate classification (germline): Pathogenic (1 of 4 stars; one submission).

Submission:

Quest Diagnostics Nichols Institute San Juan Capistrano
Classification: Pathogenic. Last evaluated: 2023-05-31. Review status: criteria provided, single submitter. Criteria: ACMG/ClinGen CNV Guidelines, 2019. Collection method: clinical testing. Allele origin: unknown.
Comment: The copy number loss of Xp21.1 appears to involve multiple exons (exon 45-50; NM_004006.3) of DMD (OMIM 300377), which is predicted to be an out-of-frame deletion. Intragenic deletions and duplications, as well as pathogenic sequence variants of DMD, are associated with X-linked recessive Duchenne muscular dystrophy (DMD; OMIM 310200, Nallamilli 2021, Tomar 2019, Zamani 2022). In-frame variants of DMD are predicted to result in Becker muscular dystrophy (BMD; OMIM 300376). Sequence variants in DMD have also been associated with dilated cardiomyopathy 3B (OMIM 302045). Thus, based on current medical literature and gene content, this copy number variant (CNV) is interpreted as pathogenic. References Ishizaki et al., Neuromuscul Disord. 2018 Jul;28(7):572-581. PMID: 29801751 Nallamilli et al., Hum Mutat. 2021 May;42(5):626-638. PMID: 33644936 Tomar et al., Am J Med Genet C Semin Med Genet. 2019 Jun;181(2):230-244. PMID: 31081998 Zamani et al., BMC Neurol. 2022 May 2;22(1):162. PMID: 35501714